The following is an entry in ClinVar:

NM_001292063.2(OTOG):c.8189C>T (p.Ala2730Val)

Gene: OTOG (otogelin; plus strand). Cytogenetic location: 11p15.1.
Variant type: single nucleotide variant.
Coding change: c.8189C>T on transcript NM_001292063.2 (MANE Select); coding-DNA position 8189, C replaced by T.
Protein change: p.Ala2730Val; replaces alanine 2730 with valine.
Molecular consequence: missense variant.
Genome position (GRCh38, 1-based): chr11:17,641,090, C>T. VCF-style: chr11-17641090-C-T. GRCh37 (hg19) VCF-style: chr11-17662637-C-T.
Other names: c.8225C>T, p.Ala2742Val (NM_001277269.2); short protein forms A2730V, A2742V.
Identifiers: ClinVar variation 1189090 (VCV001189090.11), dbSNP rs913708652, ClinGen allele CA218456114.

ClinVar aggregate classification (germline): Likely benign. Review status: criteria provided, multiple submitters, no conflicts (2 of 4 stars). 4 submissions from 4 submitters: Likely benign (4). Last evaluated 2025-12-12.

Conditions:
OTOG-related disorder. Also called: OTOG-related condition.

gnomAD v4.1: 125 of 343,626 alleles (0.036%); highest among the groups gnomAD compares: Admixed American, 0.44%; 2 homozygotes.

Submissions (4):

Labcorp Genetics (formerly Invitae), Labcorp
Classification: Likely benign. Last evaluated: 2025-12-12. Review status: criteria provided, single submitter. Criteria: Invitae Variant Classification Sherloc (09022015). Collection method: clinical testing. Allele origin: germline.

PreventionGenetics, part of Exact Sciences
Classification: Likely benign for OTOG-related condition. Last evaluated: 2025-10-05. Review status: criteria provided, single submitter. Criteria: ACMG Guidelines, 2015. Collection method: clinical testing. Allele origin: germline.
Comment: This variant is classified as likely benign based on ACMG/AMP sequence variant interpretation guidelines (Richards et al. 2015 PMID: 25741868, with internal and published modifications).

GeneDx
Classification: Likely benign. Last evaluated: 2020-09-09. Review status: criteria provided, single submitter. Criteria: GeneDx Variant Classification Process June 2021. Collection method: clinical testing. Allele origin: germline. Affected: yes.

Breakthrough Genomics
Classification: Likely benign. Review status: criteria provided, single submitter. Criteria: ACMG Guidelines, 2015. Collection method: not provided. Allele origin: germline. Inheritance: Autosomal recessive inheritance. Affected: yes.